The following is an entry in ClinVar:

ClinVar aggregate classification (germline): Uncertain significance (1 of 4 stars; one submission).

Conditions:
Episodic ataxia type 2 (EA2). Also called: ATAXIA, EPISODIC, WITH NYSTAGMUS; ATAXIA, FAMILIAL PAROXYSMAL; CEREBELLAR ATAXIA, PAROXYSMAL, ACETAZOLAMIDE-RESPONSIVE; CEREBELLOPATHY, HEREDITARY PAROXYSMAL; EPISODIC ATAXIA, NYSTAGMUS-ASSOCIATED; ACETAZOLAMIDE-RESPONSIVE HEREDITARY PAROXYSMAL CEREBELLAR ATAXIA. Identifiers: Orphanet 97, MedGen C1720416, MONDO:0007163, OMIM 108500.
Developmental and epileptic encephalopathy, 42 (DEE42A). Also called: DEVELOPMENTAL AND EPILEPTIC ENCEPHALOPATHY 42A; EPILEPTIC ENCEPHALOPATHY, EARLY INFANTILE, 42A; Epileptic encephalopathy, early infantile, 42. Identifiers: MedGen C4310716, MONDO:0014917, OMIM 617106.

Submission:

Labcorp Genetics (formerly Invitae), Labcorp
Classification: Uncertain significance for Developmental and epileptic encephalopathy, 42; Episodic ataxia type 2. Last evaluated: 2022-02-01. Review status: criteria provided, single submitter. Criteria: Invitae Variant Classification Sherloc (09022015). Collection method: clinical testing. Allele origin: germline.
Comment: In summary, the available evidence is currently insufficient to determine the role of this variant in disease. Therefore, it has been classified as a Variant of Uncertain Significance. Advanced modeling of protein sequence and biophysical properties (such as structural, functional, and spatial information, amino acid conservation, physicochemical variation, residue mobility, and thermodynamic stability) performed at Invitae indicates that this missense variant is not expected to disrupt CACNA1A protein function. This variant has not been reported in the literature in individuals affected with CACNA1A-related conditions. This variant is not present in population databases (gnomAD no frequency). This sequence change replaces aspartic acid, which is acidic and polar, with glutamic acid, which is acidic and polar, at codon 903 of the CACNA1A protein (p.Asp903Glu).

NM_001127222.2(CACNA1A):c.2706C>G (p.Asp902Glu)

Gene: CACNA1A (calcium voltage-gated channel subunit alpha1 A; minus strand). Cytogenetic location: 19p13.13.
Variant type: single nucleotide variant.
Coding change: c.2706C>G on transcript NM_001127222.2 (MANE Select); coding-DNA position 2706, C replaced by G.
Protein change: p.Asp902Glu; replaces aspartic acid 902 with glutamic acid.
Molecular consequence: missense variant.
Genome position (GRCh38, 1-based): chr19:13,298,927, G>C on the plus strand (C>G on the coding strand, the complement: CACNA1A is on the minus strand). VCF-style: chr19-13298927-G-C. GRCh37 (hg19) VCF-style: chr19-13409741-G-C.
Other names: c.2718C>G, p.Asp906Glu (NM_000068.4, NM_023035.3); c.2709C>G, p.Asp903Glu (NM_001127221.2, NM_001174080.2); short protein forms D902E, D903E, D906E.
Identifiers: ClinVar variation 1364562 (VCV001364562.8), dbSNP rs1446752227, ClinGen allele CA404342884.
Genomic context (GRCh38, chr19:13,298,927, plus strand): 5'-TCGCTCGGCCTCGCCCTCCCAGAACCCGGGTTGCTCCAGGCTGCCCTCCCGGGCGTGGTG[G>C]TCCGACTCGCGGCCGTAGGGTCCCTCCCGGCTCAGCTCGGCCTCCTGGCTTCCCGCCCAG-3'
Protein context (NP_001120694.1, residues 892-912): SREGPYGRES[Asp902Glu]HHAREGSLEQ